The following is an entry in ClinVar:

NM_005219.5(DIAPH1):c.599A>C (p.Asp200Ala)

Gene: DIAPH1 (diaphanous related formin 1; minus strand). Cytogenetic location: 5q31.3.
Variant type: single nucleotide variant.
Coding change: c.599A>C on transcript NM_005219.5 (MANE Select); coding-DNA position 599, A replaced by C.
Protein change: p.Asp200Ala; replaces aspartic acid 200 with alanine.
Molecular consequence: missense variant.
Genome position (GRCh38, 1-based): chr5:141,583,227, T>G on the plus strand (A>C on the coding strand, the complement: DIAPH1 is on the minus strand). VCF-style: chr5-141583227-T-G. GRCh37 (hg19) VCF-style: chr5-140962794-T-G.
Other names: p.Asp200Ala; c.572A>C, p.Asp191Ala (NM_001079812.3); c.599A>C, p.Asp200Ala (NM_001314007.2); short protein forms D191A, D200A.
Identifiers: ClinVar variation 4541071 (VCV004541071.1).

ClinVar aggregate classification (germline): Uncertain significance (1 of 4 stars; one submission).

Submission:

Mayo Clinic Laboratories, Mayo Clinic
Classification: Uncertain significance. Last evaluated: 2025-03-10. Review status: criteria provided, single submitter. Criteria: ACMG Guidelines, 2015. Collection method: clinical testing. Allele origin: germline. Observed: 1 variant allele.
Comment: PM1_supporting, PM2_supporting